The following is an entry in ClinVar:

ClinVar aggregate classification (germline): Uncertain significance. Review status: criteria provided, multiple submitters, no conflicts (2 of 4 stars). 3 submissions from 3 submitters: Uncertain significance (3). Last evaluated 2026-07-05.

Conditions:
DICER1-related tumor predisposition. Also called: DICER1-related pleuropulmonary blastoma cancer predisposition syndrome; DICER1 syndrome. Identifiers: Orphanet 284343, MedGen C3839822, MONDO:0100216.
Hereditary cancer-predisposing syndrome. Also called: Hereditary Cancer Syndrome; Tumor predisposition; Neoplastic Syndromes, Hereditary; Hereditary neoplastic syndrome. Identifiers: Orphanet 140162, MedGen C0027672, MeSH D009386, MONDO:0015356.

Submissions (3):

Ambry Genetics
Classification: Uncertain significance for Hereditary cancer-predisposing syndrome. Last evaluated: 2026-07-05. Review status: criteria provided, single submitter. Criteria: Ambry Variant Classification Scheme 2023. Collection method: clinical testing. Allele origin: germline.
Comment: The p.N1410S variant (also known as c.4229A>G), located in coding exon 22 of the DICER1 gene, results from an A to G substitution at nucleotide position 4229. The asparagine at codon 1410 is replaced by serine, an amino acid with highly similar properties. This amino acid position is conserved. In addition, this alteration is predicted to be tolerated by in silico analysis. Based on the available evidence, the clinical significance of this variant remains unclear.

Dasa
Classification: Uncertain significance. Last evaluated: 2025-12-22. Review status: criteria provided, single submitter. Criteria: DASA Assertion Criteria. Collection method: clinical testing. Allele origin: germline.
Comment: NM_177438.3(DICER1):c.4229A>G (p.Asn1410Ser) is a missense variant that results in the substitution of asparagine with serine. This variant is rare in population databases. Computational prediction algorithms are consistent with a benign effect. The currently available literature and clinical evidence are not sufficient to establish a definitive association between this variant and the reported condition. Therefore, this variant is classified as a variant of uncertain significance.

Labcorp Genetics (formerly Invitae), Labcorp
Classification: Uncertain significance for DICER1-related tumor predisposition. Last evaluated: 2020-12-08. Review status: criteria provided, single submitter. Criteria: Invitae Variant Classification Sherloc (09022015). Collection method: clinical testing. Allele origin: germline.
Comment: This sequence change replaces asparagine with serine at codon 1410 of the DICER1 protein (p.Asn1410Ser). The asparagine residue is highly conserved and there is a small physicochemical difference between asparagine and serine. This variant is not present in population databases (ExAC no frequency). This variant has not been reported in the literature in individuals with DICER1-related conditions. Algorithms developed to predict the effect of missense changes on protein structure and function are either unavailable or do not agree on the potential impact of this missense change (SIFT: "Tolerated"; PolyPhen-2: "Probably Damaging"; Align-GVGD: "Class C0"). In summary, the available evidence is currently insufficient to determine the role of this variant in disease. Therefore, it has been classified as a Variant of Uncertain Significance.

NM_177438.3(DICER1):c.4229A>G (p.Asn1410Ser)

Gene: DICER1 (dicer 1, ribonuclease III; minus strand). Cytogenetic location: 14q32.13.
Variant type: single nucleotide variant.
Coding change: c.4229A>G on transcript NM_177438.3 (MANE Select); coding-DNA position 4229, A replaced by G.
Protein change: p.Asn1410Ser; replaces asparagine 1410 with serine.
Molecular consequence: missense variant.
Genome position (GRCh38, 1-based): chr14:95,096,691, T>C on the plus strand (A>G on the coding strand, the complement: DICER1 is on the minus strand). VCF-style: chr14-95096691-T-C. GRCh37 (hg19) VCF-style: chr14-95563028-T-C.
Other names: c.4229A>G, p.Asn1410Ser (NM_001195573.1, NM_001271282.3, NM_001291628.2 and 1 more transcripts); c.4229A>G (NM_177438.2); short protein forms N1410S.
Identifiers: ClinVar variation 1506641 (VCV001506641.12), dbSNP rs2139855100, ClinGen allele CA390869810.